The following is an entry in ClinVar:

ClinVar aggregate classification (germline): Uncertain significance (1 of 4 stars; one submission).

Allele frequency attached by ClinVar (database versions not stated): gnomAD 0.00002; ESP Exome Variant Server 0.00008.
gnomAD v4.1: 6 of 1,613,580 alleles (0.00037%); highest among the groups gnomAD compares: African/African-American, 0.0053%; no homozygotes.

Submission:

Women's Health and Genetics/Laboratory Corporation of America, LabCorp
Classification: Uncertain significance. Last evaluated: 2023-01-18. Review status: criteria provided, single submitter. Criteria: LabCorp Variant Classification Summary - May 2015. Collection method: clinical testing. Allele origin: germline.
Comment: Variant summary: PLAG1 c.1373C>G (p.Pro458Arg) results in a non-conservative amino acid change in the encoded protein sequence. Four of five in-silico tools predict a benign effect of the variant on protein function. The variant allele was found at a frequency of 8e-06 in 251184 control chromosomes (gnomAD). The available data on variant occurrences in the general population are insufficient to allow any conclusion about variant significance. To our knowledge, no occurrence of c.1373C>G in individuals affected with Silver-Russell Syndrome 4 and no experimental evidence demonstrating its impact on protein function have been reported. No clinical diagnostic laboratories have submitted clinical-significance assessments for this variant to ClinVar after 2014. Based on the evidence outlined above, the variant was classified as uncertain significance.

NM_002655.3(PLAG1):c.1373C>G (p.Pro458Arg)

Gene: PLAG1 (PLAG1 zinc finger; minus strand). Cytogenetic location: 8q12.1.
Variant type: single nucleotide variant.
Coding change: c.1373C>G on transcript NM_002655.3 (MANE Select); coding-DNA position 1373, C replaced by G.
Protein change: p.Pro458Arg; replaces proline 458 with arginine.
Molecular consequence: missense variant.
Genome position (GRCh38, 1-based): chr8:56,166,373, G>C on the plus strand (C>G on the coding strand, the complement: PLAG1 is on the minus strand). VCF-style: chr8-56166373-G-C. GRCh37 (hg19) VCF-style: chr8-57078932-G-C.
Other names: c.1373C>G, p.Pro458Arg (NM_001114634.2); c.1127C>G, p.Pro376Arg (NM_001114635.2); short protein forms P376R, P458R.
Identifiers: ClinVar variation 2429191 (VCV002429191.3), dbSNP rs144552372, ClinGen allele CA4754794.
Genomic context (GRCh38, chr8:56,166,373, plus strand): 5'-AGTGAGTGCAGAGACCCAAGCCCTATAGTGTTTGCAGGATCCTGAAGATCCTGTGTTTGT[G>C]GGGGGAGCTGGGAAACAGAAGAATGTGCTTCTTCCTGGGAATAGCTCATTCCAAGGCTCC-3'
Protein context (NP_002646.2, residues 448-468): EAHSSVSQLP[Pro458Arg]QTQDLQDPAN